The following is an entry in ClinVar:

NM_001111.5(ADAR):c.737T>G (p.Ile246Ser)

Gene: ADAR (adenosine deaminase RNA specific; minus strand). Cytogenetic location: 1q21.3.
Variant type: single nucleotide variant.
Coding change: c.737T>G on transcript NM_001111.5 (MANE Select); coding-DNA position 737, T replaced by G.
Protein change: p.Ile246Ser; replaces isoleucine 246 with serine.
Molecular consequence: missense variant. On other transcripts: 5 prime UTR variant (6).
Genome position (GRCh38, 1-based): chr1:154,601,905, A>C on the plus strand (T>G on the coding strand, the complement: ADAR is on the minus strand). VCF-style: chr1-154601905-A-C. GRCh37 (hg19) VCF-style: chr1-154574381-A-C.
Other names: c.-149T>G (NM_001365047.1, NM_001365048.1, NM_001365049.1 and 3 more transcripts); c.737T>G, p.Ile246Ser (NM_015840.4, NM_015841.4); c.764T>G, p.Ile255Ser (NM_001365045.1); short protein forms I246S, I255S.
Identifiers: ClinVar variation 2935712 (VCV002935712.3), dbSNP rs1445915665, ClinGen allele CA342600208.

ClinVar aggregate classification (germline): Uncertain significance (1 of 4 stars; one submission).

Conditions:
Symmetrical dyschromatosis of extremities (DSH). Also called: RETICULATE ACROPIGMENTATION OF DOHI; SYMMETRIC DYSCHROMATOSIS OF THE EXTREMITIES; DYSCHROMATOSIS SYMMETRICA HEREDITARIA 1; Dyschromatosis symmetrica hereditaria. Identifiers: Orphanet 41, MedGen C0406775, MONDO:0007483, OMIM 127400.
Aicardi-Goutieres syndrome 6 (AGS6). Identifiers: Orphanet 51, MedGen C3539013, MONDO:0014007, OMIM 615010.

Allele frequency attached by ClinVar (database versions not stated): gnomAD 0.00001; gnomAD exomes 0.00001; TOPMed 0.00001.
gnomAD v4.1: 18 of 1,613,614 alleles (0.0011%); highest among the groups gnomAD compares: Non-Finnish European, 0.0014%; no homozygotes.

Submission:

Labcorp Genetics (formerly Invitae), Labcorp
Classification: Uncertain significance for Aicardi-Goutieres syndrome 6; Symmetrical dyschromatosis of extremities. Last evaluated: 2025-04-07. Review status: criteria provided, single submitter. Criteria: Invitae Variant Classification Sherloc (09022015). Collection method: clinical testing. Allele origin: germline.
Comment: This sequence change replaces isoleucine, which is neutral and non-polar, with serine, which is neutral and polar, at codon 246 of the ADAR protein (p.Ile246Ser). This variant is present in population databases (no rsID available, gnomAD 0.002%). This variant has not been reported in the literature in individuals affected with ADAR-related conditions. ClinVar contains an entry for this variant (Variation ID: 2935712). Experimental studies and prediction algorithms are not available or were not evaluated, and the functional significance of this variant is currently unknown. In summary, the available evidence is currently insufficient to determine the role of this variant in disease. Therefore, it has been classified as a Variant of Uncertain Significance.